The following is an entry in ClinVar:

NC_000015.9:g.(?_43891760)_(43910999_?)dup

Gene: STRC (stereocilin; minus strand). Cytogenetic location: 15q15.3.
Variant type: Duplication.
Identifiers: ClinVar variation 3902664 (VCV003902664.1).

ClinVar aggregate classification (germline): Uncertain significance (1 of 4 stars; one submission).

Submission:

Women's Health and Genetics/Laboratory Corporation of America, LabCorp
Classification: Uncertain significance. Last evaluated: 2025-05-27. Review status: criteria provided, single submitter. Criteria: LabCorp Variant Classification Summary - May 2015. Collection method: clinical testing. Allele origin: germline.
Comment: Variant summary: The variant involves the duplication of exons 1-29 in the STRC gene. A presumed nomenclature of c.(?_-79)_(*110_?)dup has been designated for the purposes of this classification. This duplication includes the entire coding sequence of the gene. As exact breakpoints are unknown, it may extend beyond the annotated region of the gene, to include other flanking genes. The variant was absent in 21694 control chromosomes. The available data on variant occurrences in the general population are insufficient to allow any conclusion about variant significance. To our knowledge, no occurrence of c.(?_-79)_(*110_?)dup in individuals affected with Nonsyndromic Hearing Loss And Deafness, Type 16 and no experimental evidence demonstrating its impact on protein function have been reported. No submitters have cited clinical-significance assessments for this variant to ClinVar. Based on the evidence outlined above, the variant was classified as uncertain significance.